The following is an entry in ClinVar:

ClinVar aggregate classification (germline): Uncertain significance (1 of 4 stars; one submission).

Conditions:
Cognitive impairment - coarse facies - heart defects - obesity - pulmonary involvement - short stature - skeletal dysplasia syndrome. Also called: COGNITIVE IMPAIRMENT, COARSE FACIES, HEART DEFECTS, OBESITY, PULMONARY INVOLVEMENT, SHORT STATURE, AND SKELETAL DYSPLASIA; Chops syndrome; AFF4-Related CHOPS Syndrome. Identifiers: Orphanet 444077, MedGen C4085597, MONDO:0014609, OMIM 616368.

Submission:

Labcorp Genetics (formerly Invitae), Labcorp
Classification: Uncertain significance for Cognitive impairment - coarse facies - heart defects - obesity - pulmonary involvement - short stature - skeletal dysplasia syndrome. Last evaluated: 2025-11-03. Review status: criteria provided, single submitter. Criteria: Invitae Variant Classification Sherloc (09022015). Collection method: clinical testing. Allele origin: germline.
Comment: This variant, c.2597_2599del, results in the deletion of 1 amino acid(s) of the AFF4 protein (p.Lys866del), but otherwise preserves the integrity of the reading frame. This variant is present in population databases (rs780974502, gnomAD 0.006%). This variant has not been reported in the literature in individuals affected with AFF4-related conditions. Experimental studies and prediction algorithms are not available or were not evaluated, and the functional significance of this variant is currently unknown. In summary, the available evidence is currently insufficient to determine the role of this variant in disease. Therefore, it has been classified as a Variant of Uncertain Significance.

NM_014423.4(AFF4):c.2591AGA[2] (p.Lys866del)

Gene: AFF4 (ALF transcription elongation factor 4; minus strand). Cytogenetic location: 5q31.1.
Variant type: Microsatellite.
Coding change: c.2591AGA[2] on transcript NM_014423.4 (MANE Select); two copies in a row of the 3-base unit AGA starting at c.2591; the reference has three copies in a row; one copy, 3 bases deleted.
Protein change: p.Lys866del; deletes lysine 866.
Genome position (GRCh38, 1-based): chr5:132,892,202-132,892,204, TCT deleted on the plus strand (AGA on the coding strand, the reverse complement: AFF4 is on the minus strand); deleting any 3 consecutive bases within chr5:132,892,202-132,892,210 gives the same sequence; the position shown is the placement nearest the transcript's 3' end. VCF-style (leftmost placement, unchanged base first): chr5-132892201-GTCT-G. GRCh37 (hg19) VCF-style: chr5-132227893-GTCT-G.
Other names: short protein forms K866del.
Identifiers: ClinVar variation 4811617 (VCV004811617.1).